The following is an entry in ClinVar:

NM_006361.6(HOXB13):c.426T>G (p.Ser142Arg)

Gene: HOXB13 (homeobox B13; minus strand). Cytogenetic location: 17q21.32.
Variant type: single nucleotide variant.
Coding change: c.426T>G on transcript NM_006361.6 (MANE Select); coding-DNA position 426, T replaced by G.
Protein change: p.Ser142Arg; replaces serine 142 with arginine.
Molecular consequence: missense variant.
Genome position (GRCh38, 1-based): chr17:48,728,168, A>C on the plus strand (T>G on the coding strand, the complement: HOXB13 is on the minus strand). VCF-style: chr17-48728168-A-C. GRCh37 (hg19) VCF-style: chr17-46805530-A-C.
Other names: short protein forms S142R.
Identifiers: ClinVar variation 2701426 (VCV002701426.3), dbSNP rs2509515043, ClinGen allele CA400107478.

ClinVar aggregate classification (germline): Uncertain significance (1 of 4 stars; one submission).

Submission:

Labcorp Genetics (formerly Invitae), Labcorp
Classification: Uncertain significance. Last evaluated: 2023-12-08. Review status: criteria provided, single submitter. Criteria: Invitae Variant Classification Sherloc (09022015). Collection method: clinical testing. Allele origin: germline.
Comment: This sequence change replaces serine, which is neutral and polar, with arginine, which is basic and polar, at codon 142 of the HOXB13 protein (p.Ser142Arg). This variant is not present in population databases (gnomAD no frequency). This variant has not been reported in the literature in individuals affected with HOXB13-related conditions. Advanced modeling of protein sequence and biophysical properties (such as structural, functional, and spatial information, amino acid conservation, physicochemical variation, residue mobility, and thermodynamic stability) performed at Invitae indicates that this missense variant is not expected to disrupt HOXB13 protein function with a negative predictive value of 80%. In summary, the available evidence is currently insufficient to determine the role of this variant in disease. Therefore, it has been classified as a Variant of Uncertain Significance.